The following is an entry in ClinVar:

ClinVar aggregate classification (germline): Pathogenic (1 of 4 stars; one submission).

Conditions:
Autosomal recessive limb-girdle muscular dystrophy type 2O. Also called: Limb-Girdle Muscular Dystrophy Type 3C; MUSCULAR DYSTROPHY-DYSTROGLYCANOPATHY (LIMB-GIRDLE), TYPE C, 3; MUSCULAR DYSTROPHY-DYSTROGLYCANOPATHY, LIMB-GIRDLE, POMGNT1-RELATED. Identifiers: Orphanet 206564, MedGen C3150417, MONDO:0013161, OMIM 613157.
Muscular dystrophy-dystroglycanopathy (congenital with impaired intellectual development), type B, 3. Also called: MUSCULAR DYSTROPHY, CONGENITAL, POMGNT1-RELATED; Muscular dystrophy-dystroglycanopathy (congenital with intellectual disability), type B3. Identifiers: MedGen C3150412, MONDO:0013155, OMIM 613151.

Submission:

Labcorp Genetics (formerly Invitae), Labcorp
Classification: Pathogenic for Autosomal recessive limb-girdle muscular dystrophy type 2O; Muscular dystrophy-dystroglycanopathy (congenital with impaired intellectual development), type B, 3. Last evaluated: 2023-09-08. Review status: criteria provided, single submitter. Criteria: Invitae Variant Classification Sherloc (09022015). Collection method: clinical testing. Allele origin: germline.
Comment: This sequence change creates a premature translational stop signal (p.Glu489*) in the POMGNT1 gene. It is expected to result in an absent or disrupted protein product. Loss-of-function variants in POMGNT1 are known to be pathogenic (PMID: 19299310, 20816175, 21447391, 26908613, 27391550). This variant has not been reported in the literature in individuals affected with POMGNT1-related conditions. ClinVar contains an entry for this variant (Variation ID: 2025161). For these reasons, this variant has been classified as Pathogenic. This variant is not present in population databases (gnomAD no frequency).

Literature cited by the submitters: PubMed 19299310; PubMed 20816175; PubMed 21447391; PubMed 26908613; PubMed 27391550.

NM_017739.4(POMGNT1):c.1465G>T (p.Glu489Ter)

Genes: POMGNT1 (protein O-linked mannose N-acetylglucosaminyltransferase 1 (beta 1,2-); minus strand), TSPAN1 (tetraspanin 1; plus strand). Cytogenetic location: 1p34.1.
Variant type: single nucleotide variant.
Coding change: c.1465G>T on transcript NM_017739.4 (MANE Select); coding-DNA position 1465, G replaced by T.
Protein change: p.Glu489Ter; replaces glutamic acid 489 with a stop codon.
Molecular consequence: nonsense.
Genome position (GRCh38, 1-based): chr1:46,192,172, C>A on the plus strand (G>T on the coding strand, the complement: POMGNT1 is on the minus strand). VCF-style: chr1-46192172-C-A. GRCh37 (hg19) VCF-style: chr1-46657844-C-A.
Other names: c.1465G>T, p.Glu489Ter (NM_001410783.1, NM_001243766.2); c.1399G>T, p.Glu467Ter (NM_001290129.3); c.1036G>T, p.Glu346Ter (NM_001290130.2); short protein forms E346*, E489*, E467*.
Identifiers: ClinVar variation 2025161 (VCV002025161.4), dbSNP rs2148184028, ClinGen allele CA340173739.
Genomic context (GRCh38, chr1:46,192,172, plus strand): 5'-TCATGTTGAGGCCGACGATGCCAAAGTGGTAGGATCGGGAAACGTCAGGGATGATGCACT[C>A]TCGGCCCCGGCGTTGTTCAGGCATCCGCATCCACATGTCCCAATCCCAGAGCTGGCAGAC-3'